The following is an entry in ClinVar:

ClinVar aggregate classification (germline): Uncertain significance (1 of 4 stars; one submission).

Submission:

Labcorp Genetics (formerly Invitae), Labcorp
Classification: Uncertain significance. Last evaluated: 2024-07-15. Review status: criteria provided, single submitter. Criteria: Invitae Variant Classification Sherloc (09022015). Collection method: clinical testing. Allele origin: germline.
Comment: This sequence change replaces proline, which is neutral and non-polar, with leucine, which is neutral and non-polar, at codon 153 of the SULF1 protein (p.Pro153Leu). This variant is not present in population databases (gnomAD no frequency). This variant has not been reported in the literature in individuals affected with SULF1-related conditions. ClinVar contains an entry for this variant (Variation ID: 1517063). An algorithm developed to predict the effect of missense changes on protein structure and function (PolyPhen-2) suggests that this variant is likely to be disruptive. In summary, the available evidence is currently insufficient to determine the role of this variant in disease. Therefore, it has been classified as a Variant of Uncertain Significance.

NM_001128205.2(SULF1):c.458C>T (p.Pro153Leu)

Gene: SULF1 (sulfatase 1; plus strand). Cytogenetic location: 8q13.2.
Variant type: single nucleotide variant.
Coding change: c.458C>T on transcript NM_001128205.2 (MANE Select); coding-DNA position 458, C replaced by T.
Protein change: p.Pro153Leu; replaces proline 153 with leucine.
Molecular consequence: missense variant. On other transcripts: non-coding transcript variant (2).
Genome position (GRCh38, 1-based): chr8:69,586,402, C>T. VCF-style: chr8-69586402-C-T. GRCh37 (hg19) VCF-style: chr8-70498637-C-T.
Other names: c.458C>T, p.Pro153Leu (NM_001128204.2, NM_001128206.2, NM_015170.3); short protein forms P153L.
Identifiers: ClinVar variation 1517063 (VCV001517063.6), dbSNP rs1455316642, ClinGen allele CA371225169.